The following is an entry in ClinVar:

NM_174916.3(UBR1):c.4280C>T (p.Ser1427Phe)

Gene: UBR1 (ubiquitin protein ligase E3 component n-recognin 1; minus strand). Cytogenetic location: 15q15.2.
Variant type: single nucleotide variant.
Coding change: c.4280C>T on transcript NM_174916.3 (MANE Select); coding-DNA position 4280, C replaced by T.
Protein change: p.Ser1427Phe; replaces serine 1427 with phenylalanine.
Molecular consequence: missense variant.
Genome position (GRCh38, 1-based): chr15:42,976,806, G>A on the plus strand (C>T on the coding strand, the complement: UBR1 is on the minus strand). VCF-style: chr15-42976806-G-A. GRCh37 (hg19) VCF-style: chr15-43269004-G-A.
Other names: short protein forms S1427F.
Identifiers: ClinVar variation 1508549 (VCV001508549.3), dbSNP rs1480939799, ClinGen allele CA392046420.

ClinVar aggregate classification (germline): Uncertain significance (1 of 4 stars; one submission).

Allele frequency attached by ClinVar (database versions not stated): gnomAD exomes below 0.00001; TOPMed below 0.00001.
gnomAD v4.1: 4 of 1,614,074 alleles (0.00025%); highest among the groups gnomAD compares: East Asian, 0.0045%; no homozygotes.

Submission:

Labcorp Genetics (formerly Invitae), Labcorp
Classification: Uncertain significance. Last evaluated: 2021-07-26. Review status: criteria provided, single submitter. Criteria: Invitae Variant Classification Sherloc (09022015). Collection method: clinical testing. Allele origin: germline.
Comment: This sequence change replaces serine with phenylalanine at codon 1427 of the UBR1 protein (p.Ser1427Phe). The serine residue is highly conserved and there is a large physicochemical difference between serine and phenylalanine. This variant is not present in population databases (ExAC no frequency). This missense change has been observed in individual(s) with Johanson-Blizzard syndrome (PMID: 24599544). Algorithms developed to predict the effect of missense changes on protein structure and function are either unavailable or do not agree on the potential impact of this missense change (SIFT: "Deleterious"; PolyPhen-2: "Probably Damaging"; Align-GVGD: "Class C15"). In summary, the available evidence is currently insufficient to determine the role of this variant in disease. Therefore, it has been classified as a Variant of Uncertain Significance.

Literature cited by the submitters: PubMed 24599544.